The following is an entry in ClinVar:

NM_000179.3(MSH6):c.3438G>C (p.Gln1146His)

Gene: MSH6 (mutS homolog 6; plus strand). Cytogenetic location: 2p16.3.
Variant type: single nucleotide variant.
Coding change: c.3438G>C on transcript NM_000179.3 (MANE Select); coding-DNA position 3438, G replaced by C.
Protein change: p.Gln1146His; replaces glutamine 1146 with histidine.
Molecular consequence: missense variant.
Genome position (GRCh38, 1-based): chr2:47,803,685, G>C. VCF-style: chr2-47803685-G-C. GRCh37 (hg19) VCF-style: chr2-48030824-G-C.
Other names: c.3048G>C, p.Gln1016His (NM_001281492.2); c.2532G>C, p.Gln844His (NM_001281493.2, NM_001281494.2); short protein forms Q1146H, Q1016H, Q844H.
Identifiers: ClinVar variation 428386 (VCV000428386.7), dbSNP rs1114167759, ClinGen allele CA346758973.

ClinVar aggregate classification (germline): Conflicting classifications of pathogenicity. Review status: criteria provided, conflicting classifications (1 of 4 stars). 2 submissions from 2 submitters: Likely pathogenic (1); Uncertain significance (1). Last evaluated 2025-09-25.

Conditions:
Hereditary cancer-predisposing syndrome. Also called: Hereditary Cancer Syndrome; Neoplastic Syndromes, Hereditary; Hereditary neoplastic syndrome; Tumor predisposition. Identifiers: Orphanet 140162, MedGen C0027672, MeSH D009386, MONDO:0015356.

Allele frequency attached by ClinVar (database versions not stated): gnomAD exomes below 0.00001.
gnomAD v4.1: 3 of 1,614,150 alleles (0.00019%); highest among the groups gnomAD compares: Non-Finnish European, 0.00025%; no homozygotes.

Submissions (2):

Color Diagnostics, LLC DBA Color Health
Classification: Uncertain significance for Hereditary cancer-predisposing syndrome. Last evaluated: 2025-09-25. Review status: criteria provided, single submitter. Criteria: ACMG Guidelines, 2015. Collection method: clinical testing. Allele origin: germline.
Comment: This missense variant replaces glutamine with histidine at codon 1146 of the MSH6 protein. Computational prediction suggests that this variant may have deleterious impact on protein structure and function. This change also occurs at the terminal base pair of the exon and splice site prediction tools suggest that this variant may significantly impact RNA splicing, although these predictions have not been confirmed in published RNA studies. This variant has not been reported in individuals affected with MSH6-related disorders in the literature. However another laboratory has reported observing multiple individuals with tumors showing absent MSH6 staining on IHC (ClinVar: SCV000580288.6). This variant has not been identified in the general population by the Genome Aggregation Database (gnomAD). Although the available evidence indicates that this variant may not be associated with disease, additional studies are necessary to determine the role of this variant in disease conclusively. Therefore, this variant is classified as a Variant of Uncertain Significance.

Ambry Genetics
Classification: Likely pathogenic for Hereditary cancer-predisposing syndrome. Last evaluated: 2025-07-23. Review status: criteria provided, single submitter. Criteria: Ambry Variant Classification Scheme 2023. Collection method: clinical testing. Allele origin: germline.
Comment: The c.3438G>C variant (also known as p.Q1146H), located in coding exon 5 of the MSH6 gene, results from a G to C substitution at nucleotide position 3438. The glutamine at codon 1146 is replaced by histidine, an amino acid with highly similar properties. However, this change occurs in the last base pair of coding exon 5, which makes it likely to have some effect on normal mRNA splicing. This alteration has been observed in multiple affected individuals whose tumors showed absent MSH6 staining on IHC (Ambry internal data). This nucleotide position is highly conserved in available vertebrate species. In silico splice site analysis predicts that this alteration will weaken the native splice donor site; however, direct evidence is insufficient at this time (Ambry internal data). In addition, as a missense substitution this is predicted to be deleterious by in silico analysis. Based on the majority of available evidence to date, this variant is likely to be pathogenic.